The following is an entry in ClinVar:

ClinVar aggregate classification (germline): Likely benign. Review status: criteria provided, multiple submitters, no conflicts (2 of 4 stars). 2 submissions from 2 submitters: Likely benign (2). Last evaluated 2024-11-19.

Allele frequency attached by ClinVar (database versions not stated): 1000 Genomes Project 30x 0.00016; 1000 Genomes Project 0.00020; ExAC 0.00057; gnomAD exomes 0.00065; gnomAD 0.00072 and 0.00076; TOPMed 0.00080; ESP Exome Variant Server 0.00146.
gnomAD v4.1: 2,018 of 1,592,006 alleles (0.13%); highest among the groups gnomAD compares: Non-Finnish European, 0.16%; 1 homozygote.

Submissions (2):

Blueprint Genetics
Classification: Likely benign. Last evaluated: 2024-11-19. Review status: criteria provided, single submitter. Criteria: ACMG Guidelines, 2015. Collection method: clinical testing. Allele origin: germline.

Laboratory for Molecular Medicine, Mass General Brigham Personalized Medicine
Classification: Likely benign. Last evaluated: 2015-06-03. Review status: criteria provided, single submitter. Criteria: LMM Criteria. Collection method: clinical testing. Allele origin: germline. Observed: 1 variant allele.
Comment: 623+13C>T in intron 4A of EDN3: This variant is not expected to have clinical si gnificance because it is not located within the conserved splice consensus seque nce. It has been identified in 0.1% (62/65654) of European chromosomes including 1 homozygote by the Exome Aggregation Consortium (ExAC; dbSNP rs200659956).

NM_207034.3(EDN3):c.588+48C>T

Gene: EDN3 (endothelin 3; plus strand). Cytogenetic location: 20q13.32.
Variant type: single nucleotide variant.
Coding change: c.588+48C>T on transcript NM_207034.3 (MANE Select); 48 bases into the intron after coding-DNA position 588, C replaced by T.
Molecular consequence: intron variant.
Genome position (GRCh38, 1-based): chr20:59,322,465, C>T. VCF-style: chr20-59322465-C-T. GRCh37 (hg19) VCF-style: chr20-57897520-C-T.
Other names: c.623+13C>T (NM_207032.3); c.588+48C>T (NM_001302455.2); c.542+1272C>T (NM_207033.3, NM_001302456.2).
Identifiers: ClinVar variation 227350 (VCV000227350.5), dbSNP rs200659956, ClinGen allele CA9930424.